The following is an entry in ClinVar:

NM_001267550.2(TTN):c.62067G>A (p.Trp20689Ter)

Genes: TTN (titin; minus strand), TTN-AS1 (TTN antisense RNA 1; plus strand). Cytogenetic location: 2q31.2.
Variant type: single nucleotide variant.
Coding change: c.62067G>A on transcript NM_001267550.2 (MANE Select); coding-DNA position 62067, G replaced by A.
Protein change: p.Trp20689Ter; replaces tryptophan 20689 with a stop codon.
Molecular consequence: nonsense.
Genome position (GRCh38, 1-based): chr2:178,589,658, C>T on the plus strand (G>A on the coding strand, the complement: TTN is on the minus strand). VCF-style: chr2-178589658-C-T. GRCh37 (hg19) VCF-style: chr2-179454385-C-T.
Other names: c.57144G>A, p.Trp19048Ter (NM_001256850.1); c.34872G>A, p.Trp11624Ter (NM_003319.4); c.54363G>A, p.Trp18121Ter (NM_133378.4); c.35247G>A, p.Trp11749Ter (NM_133432.3); c.35448G>A, p.Trp11816Ter (NM_133437.4); short protein forms W19048*, W11749*, W11816*, W20689*, W11624*, W18121*.
Identifiers: ClinVar variation 4787363 (VCV004787363.1).

ClinVar aggregate classification (germline): Likely pathogenic (1 of 4 stars; one submission).

Conditions:
Autosomal recessive limb-girdle muscular dystrophy type 2J (LGMDR10). Also called: Limb-girdle muscular dystrophy, type 2J; MUSCULAR DYSTROPHY, LIMB-GIRDLE, AUTOSOMAL RECESSIVE 10. Identifiers: Orphanet 140922, MedGen C1837342, MONDO:0012127, OMIM 608807.
Dilated cardiomyopathy 1G (CMD1G). Identifiers: Orphanet 154, MedGen C1858763, MONDO:0011400, OMIM 604145.

Submission:

Labcorp Genetics (formerly Invitae), Labcorp
Classification: Likely pathogenic for Dilated cardiomyopathy 1G; Autosomal recessive limb-girdle muscular dystrophy type 2J. Last evaluated: 2026-01-25. Review status: criteria provided, single submitter. Criteria: Invitae Variant Classification Sherloc (09022015). Collection method: clinical testing. Allele origin: germline.
Comment: This sequence change creates a premature translational stop signal (p.Trp20689*) in the TTN gene. While this is not anticipated to result in nonsense mediated decay, it is expected to create a truncated TTN protein. This variant is not present in population databases (gnomAD no frequency). This variant has not been reported in the literature in individuals affected with TTN-related conditions. This variant is located in the A band of TTN (PMID: 25589632). Truncating variants in this region are significantly overrepresented in patients affected with dilated cardiomyopathy (PMID: 25589632). Truncating variants in this region have also been reported in individuals affected with autosomal recessive centronuclear myopathy (PMID: 23975875). In summary, the currently available evidence indicates that the variant is pathogenic, but additional data are needed to prove that conclusively. Therefore, this variant has been classified as Likely Pathogenic.

Literature cited by the submitters: PubMed 25589632; PubMed 23975875.